The following is an entry in ClinVar:

NM_001754.5(RUNX1):c.164C>T (p.Ala55Val)

Gene: RUNX1 (RUNX family transcription factor 1; minus strand). Cytogenetic location: 21q22.12.
Variant type: single nucleotide variant.
Coding change: c.164C>T on transcript NM_001754.5 (MANE Select); coding-DNA position 164, C replaced by T.
Protein change: p.Ala55Val; replaces alanine 55 with valine.
Molecular consequence: missense variant.
Genome position (GRCh38, 1-based): chr21:34,887,030, G>A on the plus strand (C>T on the coding strand, the complement: RUNX1 is on the minus strand). VCF-style: chr21-34887030-G-A. GRCh37 (hg19) VCF-style: chr21-36259327-G-A.
Other names: NM_001754.5(RUNX1):c.164C>T; p.Ala55Val; c.83C>T, p.Ala28Val (NM_001001890.3, NM_001122607.2); short protein forms A28V, A55V.
Identifiers: ClinVar variation 3587670 (VCV003587670.4).
Genomic context (GRCh38, chr21:34,887,030, plus strand): 5'-TCGCCGCTCCTCAGCTTGCCGGCCAGGGCAGCGCCGGCGTCCGGGGCGCCCAGCGGCAAC[G>A]CCTCGCTCATCTTGCCTGGGCTCAGCGCGGTGGAAGGCGGCGTGAAGCGGCGGCTCGTGC-3'
Protein context (NP_001745.2, residues 45-65): TALSPGKMSE[Ala55Val]LPLGAPDAGA

ClinVar aggregate classification (germline): Uncertain significance. Review status: reviewed by expert panel (3 of 4 stars). 4 submissions from 4 submitters: Uncertain significance (1). 3 of the submissions do not count toward it. Last evaluated 2025-05-02.

Conditions:
Hereditary thrombocytopenia and hematologic cancer predisposition syndrome. Identifiers: Orphanet 71290, MedGen CN281654, MONDO:0011071.
Acute myeloid leukemia (AML). Also called: Acute myeloid leukemia, adult; AML adult; Acute non-lymphocytic leukemia; Acute granulocytic leukemia; Leukemia, acute myeloid, somatic; Leukemia, acute myelogenous, somatic. Identifiers: Orphanet 519, MedGen C0023467, MeSH D015470, MONDO:0018874, OMIM 601626, HP:0004808. Disease mechanism: Constitutively activated FLT3.
Hereditary thrombocytopenia and hematological cancer predisposition syndrome associated with RUNX1. Also called: PLATELET DISORDER, ASPIRIN-LIKE; Familial Platelet Disorder with Propensity to Acute Myelogenous Leukemia; Familial thrombocytopenia with propensity to acute myelogenous leukemia; RUNX1 Familial Platelet Disorder with Associated Myeloid Malignancies. Identifiers: Orphanet 71290, MedGen C1832388, MeSH C563324, MONDO:0100083, OMIM 601399.
Inborn genetic diseases. Identifiers: MedGen C0950123, MeSH D030342.

gnomAD v4.1: 5 of 1,601,658 alleles (0.00031%); highest among the groups gnomAD compares: African/African-American, 0.0013%; no homozygotes.

Submissions (4):

ClinGen Myeloid Malignancy Variant Curation Expert Panel
Classification: Uncertain significance for Hereditary thrombocytopenia and hematologic cancer predisposition syndrome. Last evaluated: 2025-05-02. Review status: reviewed by expert panel. Criteria: ClinGen MyeloMalig ACMG Specifications v2. Collection method: curation. Allele origin: germline. Inheritance: Autosomal dominant inheritance.
Comment: NM_001754.5(RUNX1):c.164C>T (p.Ala55Val) is a missense variant that has a REVEL score < 0.50 (0.358) and a SpliceAI score ≤ 0.20 (0.01) (BP4). In summary, the clinical significance of this variant is uncertain. ACMG/AMP criteria applied, as specified by the Myeloid Malignancy Variant Curation Expert Panel for RUNX1: BP4.

Labcorp Genetics (formerly Invitae), Labcorp
Classification: Benign for Hereditary thrombocytopenia and hematological cancer predisposition syndrome associated with RUNX1. Last evaluated: 2025-08-11. Review status: criteria provided, single submitter. Criteria: Invitae Variant Classification Sherloc (09022015). Collection method: clinical testing. Allele origin: germline. Not counted in ClinVar's aggregate classification.

Ambry Genetics
Classification: Uncertain significance for Inborn genetic diseases. Last evaluated: 2024-12-12. Review status: criteria provided, single submitter. Criteria: Ambry Variant Classification Scheme 2023. Collection method: clinical testing. Allele origin: germline. Not counted in ClinVar's aggregate classification.
Comment: The p.A55V variant (also known as c.164C>T), located in coding exon 3 of the RUNX1 gene, results from a C to T substitution at nucleotide position 164. The alanine at codon 55 is replaced by valine, an amino acid with similar properties. This amino acid position is conserved. In addition, the in silico prediction for this alteration is inconclusive. Based on the available evidence, the clinical significance of this variant remains unclear.

Fulgent Genetics
Classification: Uncertain significance for Hereditary thrombocytopenia and hematological cancer predisposition syndrome associated with RUNX1; Acute myeloid leukemia. Last evaluated: 2024-03-07. Review status: criteria provided, single submitter. Criteria: ACMG Guidelines, 2015. Collection method: clinical testing. Allele origin: germline. Not counted in ClinVar's aggregate classification.